The following continues an entry in ClinVar:

NM_000059.4(BRCA2):c.4090A>C (p.Ile1364Leu)

Gene: BRCA2. ClinVar aggregate classification (germline): Benign. Benign (1).

Submissions 22 to 36 of 36:

Ambry Genetics
Classification: Benign for Hereditary cancer-predisposing syndrome. Last evaluated: 2014-07-29. Review status: criteria provided, single submitter. Criteria: Ambry Variant Classification Scheme 2023. Collection method: clinical testing. Allele origin: germline. Not counted in ClinVar's aggregate classification.

Eurofins Ntd Llc (ga)
Classification: Benign. Last evaluated: 2014-07-16. Review status: criteria provided, single submitter. Criteria: EGL Classification Definitions 2015. Collection method: clinical testing. Allele origin: germline. Observed: 3 variant alleles, 3 heterozygotes. Not counted in ClinVar's aggregate classification.

Women's Health and Genetics/Laboratory Corporation of America, LabCorp
Classification: Benign for Hereditary breast ovarian cancer syndrome. Last evaluated: 2014-04-15. Review status: criteria provided, single submitter. Criteria: LabCorp Variant Classification Summary - May 2015. Collection method: clinical testing. Allele origin: germline. Not counted in ClinVar's aggregate classification.

Breakthrough Genomics
Classification: Benign. Review status: criteria provided, single submitter. Criteria: ACMG Guidelines, 2015. Collection method: not provided. Allele origin: germline. Inheritance: Autosomal recessive inheritance. Affected: yes. Not counted in ClinVar's aggregate classification.

BRCAlab, Lund University
Classification: Benign for Breast-ovarian cancer, familial, susceptibility to, 2. Last evaluated: 2020-03-02. Review status: no assertion criteria provided. Collection method: clinical testing. Allele origin: germline. Affected: yes. Not counted in ClinVar's aggregate classification.

True Health Diagnostics
Classification: Likely benign for Hereditary cancer-predisposing syndrome. Last evaluated: 2018-01-03. Review status: no assertion criteria provided. Collection method: clinical testing. Allele origin: germline. Not counted in ClinVar's aggregate classification.

Mayo Clinic Laboratories, Mayo Clinic
Classification: Likely benign. Last evaluated: 2017-08-09. Review status: no assertion criteria provided. Collection method: clinical testing. Allele origin: unknown. Not counted in ClinVar's aggregate classification.

Counsyl
Classification: Benign for Breast-ovarian cancer, familial 2. Last evaluated: 2014-05-14. Review status: no assertion criteria provided. Collection method: literature only. Allele origin: unknown. Inheritance: Autosomal dominant inheritance. Not counted in ClinVar's aggregate classification.

ITMI
No classification provided. Condition: AllHighlyPenetrant. Last evaluated: 2013-09-19. Review status: no classification provided. Collection method: reference population. Allele origin: germline. Not counted in ClinVar's aggregate classification.
Comment: Please see associated publication for description of ethnicities

Breast Cancer Information Core (BIC) (BRCA2)
Classification: Uncertain significance for Breast-ovarian cancer, familial 2. Last evaluated: 2002-05-29. Review status: no assertion criteria provided. Collection method: clinical testing. Allele origin: germline. Affected: yes. Observed: 50 variant alleles. Not counted in ClinVar's aggregate classification.

Clinical Genetics Laboratory, Department of Pathology, Netherlands Cancer Institute
Classification: Benign. Review status: no assertion criteria provided. Collection method: clinical testing. Allele origin: germline. Affected: yes. Study: VKGL Data-share Consensus. Not counted in ClinVar's aggregate classification.

Department of Pathology and Laboratory Medicine, Sinai Health System
Classification: Benign for Breast-ovarian cancer, familial, susceptibility to, 2. Review status: no assertion criteria provided. Collection method: clinical testing. Allele origin: unknown. Affected: yes. Study: The Canadian Open Genetics Repository (COGR). Not counted in ClinVar's aggregate classification.
Comment: The p.Ile1364Leu variant has been previously observed in our laboratory, and has been reported in the literature in 11/2200 proband chromosomes of individuals with breast cancer. However, no controls were tested to establish the frequency of the variant in the general population (Borg_2010_, Caux-Moncoutier_2009_, Haffty_2006_, Haffty_2009_, Tazzite_2012_). It is listed in the dbSNP database as coming from a "clinical source" (ID#:rs56248502) with a global minor allele frequency (MAF) of 0.005 (1000 Genomes). The variant has been reported in the UMD (x17), BIC (x53) and CNPHI databases. In the UMD database, the variant was observed to co-occur with other BRCA2 pathogenic mutations: c.6159delT (p.Ala2054LeufsX16) and c.8548_8551delGAAG (p.Glu2850GlnfsX12), increasing the likelihood that the p.Ile1364Leu variant does not have any clinical significance. This residue is not conserved in mammals and computational analyses (PolyPhen, SIFT, AlignGVGD) do not suggest a high likelihood of impact to the protein. However, this information is not predictive enough to rule out pathogenicity. In summary, based on the above information, the p.Ile1364Leu variant is classified as benign.

Diagnostic Laboratory, Department of Genetics, University Medical Center Groningen
Classification: Benign for Breast-ovarian cancer, familial, susceptibility to, 2. Review status: no assertion criteria provided. Collection method: clinical testing. Allele origin: germline. Affected: yes. Study: VKGL Data-share Consensus. Not counted in ClinVar's aggregate classification.

Joint Genome Diagnostic Labs from Nijmegen and Maastricht, Radboudumc and MUMC+
Classification: Benign. Review status: no assertion criteria provided. Collection method: clinical testing. Allele origin: germline. Affected: yes. Study: VKGL Data-share Consensus. Not counted in ClinVar's aggregate classification.

Laboratory of Diagnostic Genome Analysis, Leiden University Medical Center (LUMC)
Classification: Benign. Review status: no assertion criteria provided. Collection method: clinical testing. Allele origin: germline. Affected: yes. Study: VKGL Data-share Consensus. Not counted in ClinVar's aggregate classification.

Literature cited by the submitters: DOI 10.3389/fgene.2022.834265 (cited by National Health Laboratory Service, Universitas Academic Hospital and University of the Free State); PubMed 36329109 (cited by Genetics Program, Instituto Nacional de Cancer); PubMed 15983021 (cited by Illumina Laboratory Services, Illumina and Women's Health and Genetics/Laboratory Corporation of America, LabCorp); PubMed 2928257 (cited by Illumina Laboratory Services, Illumina); PubMed 22425665 (cited by 3 submitters); PubMed 20104584 (cited by 3 submitters); PubMed 21520273 (cited by Women's Health and Genetics/Laboratory Corporation of America, LabCorp); PubMed 22034289 (cited by Women's Health and Genetics/Laboratory Corporation of America, LabCorp); PubMed 21120943 (cited by Women's Health and Genetics/Laboratory Corporation of America, LabCorp); PubMed 19491284 (cited by Women's Health and Genetics/Laboratory Corporation of America, LabCorp and Counsyl); PubMed 24728327 (cited by Women's Health and Genetics/Laboratory Corporation of America, LabCorp and ITMI).